The following is an entry in ClinVar:

NM_000528.4(MAN2B1):c.1787T>A (p.Ile596Asn)

Gene: MAN2B1 (mannosidase alpha class 2B member 1; minus strand). Cytogenetic location: 19p13.13.
Variant type: single nucleotide variant.
Coding change: c.1787T>A on transcript NM_000528.4 (MANE Select); coding-DNA position 1787, T replaced by A.
Protein change: p.Ile596Asn; replaces isoleucine 596 with asparagine.
Molecular consequence: missense variant.
Genome position (GRCh38, 1-based): chr19:12,655,737, A>T on the plus strand (T>A on the coding strand, the complement: MAN2B1 is on the minus strand). VCF-style: chr19-12655737-A-T. GRCh37 (hg19) VCF-style: chr19-12766551-A-T.
Other names: c.1784T>A, p.Ile595Asn (NM_001173498.2); short protein forms I595N, I596N.
Identifiers: ClinVar variation 1007372 (VCV001007372.10), dbSNP rs769653813, ClinGen allele CA404244768.

ClinVar aggregate classification (germline): Uncertain significance. Review status: criteria provided, single submitter (1 of 4 stars). 2 submissions from 2 submitters: Uncertain significance (1). 1 of the submissions does not count toward it. Last evaluated 2021-09-02.

Conditions:
Deficiency of alpha-mannosidase (MANSA). Also called: Alpha-Mannosidosis; Mannosidosis, alpha-, types I and II; LYSOSOMAL ALPHA-D-MANNOSIDASE DEFICIENCY. Identifiers: Orphanet 61, MedGen C0024748, MONDO:0009561, OMIM 248500.

gnomAD v4.1: 1 of 1,608,682 alleles (0.000062%); highest among the groups gnomAD compares: South Asian, 0.0011%; no homozygotes.

Submissions (2):

Labcorp Genetics (formerly Invitae), Labcorp
Classification: Uncertain significance for Deficiency of alpha-mannosidase. Last evaluated: 2021-09-02. Review status: criteria provided, single submitter. Criteria: Invitae Variant Classification Sherloc (09022015). Collection method: clinical testing. Allele origin: germline.
Comment: This sequence change replaces isoleucine with asparagine at codon 596 of the MAN2B1 protein (p.Ile596Asn). The isoleucine residue is weakly conserved and there is a large physicochemical difference between isoleucine and asparagine. This variant is not present in population databases (ExAC no frequency). This variant has not been reported in the literature in individuals affected with MAN2B1-related conditions. Algorithms developed to predict the effect of missense changes on protein structure and function (SIFT, PolyPhen-2, Align-GVGD) all suggest that this variant is likely to be tolerated. In summary, the available evidence is currently insufficient to determine the role of this variant in disease. Therefore, it has been classified as a Variant of Uncertain Significance.

Natera, Inc.
Classification: Uncertain significance for Alpha-mannosidosis. Last evaluated: 2020-06-30. Review status: no assertion criteria provided. Collection method: clinical testing. Allele origin: germline. Not counted in ClinVar's aggregate classification.